The following is an entry in ClinVar:

NM_178562.5(TSPAN33):c.522A>G (p.Ser174=)

Gene: TSPAN33 (tetraspanin 33; plus strand). Cytogenetic location: 7q32.1.
Variant type: single nucleotide variant.
Coding change: c.522A>G on transcript NM_178562.5 (MANE Select); coding-DNA position 522, A replaced by G.
Protein change: p.Ser174=; no amino-acid change (serine 174 retained).
Molecular consequence: synonymous variant.
Genome position (GRCh38, 1-based): chr7:129,166,840, A>G. VCF-style: chr7-129166840-A-G. GRCh37 (hg19) VCF-style: chr7-128806681-A-G.
Identifiers: ClinVar variation 3389078 (VCV003389078.14).

ClinVar aggregate classification (germline): Likely benign (1 of 4 stars; one submission).

Submission:

CeGaT Center for Human Genetics Tuebingen
Classification: Likely benign. Last evaluated: 2024-11-01. Review status: criteria provided, single submitter. Criteria: CeGaT Center For Human Genetics Tuebingen Variant Classification Criteria Version 2. Collection method: clinical testing. Allele origin: germline. Affected: yes. Observed: 1 variant allele.
Comment: TSPAN33: BP4, BP7